The following is an entry in ClinVar:

NM_000020.3(ACVRL1):c.667G>C (p.Gly223Arg)

Gene: ACVRL1 (activin A receptor like type 1; plus strand). Cytogenetic location: 12q13.13.
Variant type: single nucleotide variant.
Coding change: c.667G>C on transcript NM_000020.3 (MANE Select); coding-DNA position 667, G replaced by C.
Protein change: p.Gly223Arg; replaces glycine 223 with arginine.
Molecular consequence: missense variant.
Genome position (GRCh38, 1-based): chr12:51,914,480, G>C. VCF-style: chr12-51914480-G-C. GRCh37 (hg19) VCF-style: chr12-52308264-G-C.
Other names: c.667G>C, p.Gly223Arg (NM_001077401.2, NM_001406487.1, NM_001406488.1 and 1 more transcripts); c.355G>C, p.Gly119Arg (NM_001406490.1, NM_001406491.1, NM_001406492.1 and 2 more transcripts); c.103G>C, p.Gly35Arg (NM_001406495.1); short protein forms G119R, G223R, G35R.
Identifiers: ClinVar variation 1705643 (VCV001705643.1), dbSNP rs1940782114, ClinGen allele CA384900031.

ClinVar aggregate classification (germline): Uncertain significance (1 of 4 stars; one submission).

Conditions:
Telangiectasia, hereditary hemorrhagic, type 2 (HHT2). Also called: Telangiectasia, hereditary hemorrhagic, type II; ACVRL1-Related Hereditary Hemorrhagic Telangiectasia. Identifiers: Orphanet 774, MedGen C1838163, MONDO:0010880, OMIM 600376. Disease mechanism: loss of function.

Submission:

3billion
Classification: Uncertain significance for Telangiectasia, hereditary hemorrhagic, type 2. Last evaluated: 2022-09-01. Review status: criteria provided, single submitter. Criteria: ACMG Guidelines, 2015. Collection method: clinical testing. Allele origin: germline. Affected: yes. Observed: 1 heterozygote.
Comment: The variant is not observed in the gnomAD v2.1.1 dataset. In silico tool predictions suggest damaging effect of the variant on gene or gene product (REVEL: 0.88; 3Cnet: 0.99). Same nucleotide change resulting in same amino acid change has been previously reported to be associated with ACVRL1-related disorder (PMID: 15024723). A different missense change at the same codon (p.Gly223Val) has been reported to be associated with ACVRL1-related disorder (PMID: 30578397). However the evidence of pathogenicity is insufficient at this time. Therefore, this variant is classified as uncertain significance according to the recommendation of ACMG/AMP guideline.

Literature cited by the submitters: PubMed 15024723; PubMed 30578397.